The following is an entry in ClinVar:

ClinVar aggregate classification (germline): Uncertain significance. Review status: criteria provided, single submitter (1 of 4 stars). 2 submissions from 2 submitters: Uncertain significance (1). 1 of the submissions does not count toward it. Last evaluated 2022-04-09.

Conditions:
Glycogen storage disease type III (GSD3). Also called: Cori disease; FORBES DISEASE. Identifiers: Orphanet 366, MedGen C0017922, MONDO:0009291, OMIM 232400.

Allele frequency attached by ClinVar (database versions not stated): gnomAD 0.00001; TOPMed 0.00001.
gnomAD v4.1: 10 of 1,613,252 alleles (0.00062%); highest among the groups gnomAD compares: Non-Finnish European, 0.00076%; no homozygotes.

Submissions (2):

Labcorp Genetics (formerly Invitae), Labcorp
Classification: Uncertain significance for Glycogen storage disease type III. Last evaluated: 2022-04-09. Review status: criteria provided, single submitter. Criteria: Invitae Variant Classification Sherloc (09022015). Collection method: clinical testing. Allele origin: germline.
Comment: This sequence change replaces asparagine, which is neutral and polar, with serine, which is neutral and polar, at codon 219 of the AGL protein (p.Asn219Ser). This variant is not present in population databases (gnomAD no frequency). This variant has not been reported in the literature in individuals affected with AGL-related conditions. ClinVar contains an entry for this variant (Variation ID: 526598). Algorithms developed to predict the effect of missense changes on protein structure and function are either unavailable or do not agree on the potential impact of this missense change (SIFT: "Deleterious"; PolyPhen-2: "Probably Damaging"; Align-GVGD: "Class C0"). Algorithms developed to predict the effect of sequence changes on RNA splicing suggest that this variant may create or strengthen a splice site. In summary, the available evidence is currently insufficient to determine the role of this variant in disease. Therefore, it has been classified as a Variant of Uncertain Significance.

Natera, Inc.
Classification: Uncertain significance for Glycogen storage disease type III. Last evaluated: 2020-09-09. Review status: no assertion criteria provided. Collection method: clinical testing. Allele origin: germline. Not counted in ClinVar's aggregate classification.

NM_000642.3(AGL):c.656A>G (p.Asn219Ser)

Gene: AGL (amylo-alpha-1,6-glucosidase and 4-alpha-glucanotransferase; plus strand). Cytogenetic location: 1p21.2.
Variant type: single nucleotide variant.
Coding change: c.656A>G on transcript NM_000642.3 (MANE Select); coding-DNA position 656, A replaced by G.
Protein change: p.Asn219Ser; replaces asparagine 219 with serine.
Molecular consequence: missense variant.
Genome position (GRCh38, 1-based): chr1:99,864,581, A>G. VCF-style: chr1-99864581-A-G. GRCh37 (hg19) VCF-style: chr1-100330137-A-G.
Other names: c.656A>G, p.Asn219Ser (NM_000028.3, NM_000643.3, NM_000644.3 and 3 more transcripts); c.608A>G, p.Asn203Ser (NM_000646.3); c.278A>G, p.Asn93Ser (NM_001425332.1); short protein forms N219S, N203S, N93S.
Identifiers: ClinVar variation 526598 (VCV000526598.9), dbSNP rs893488693, ClinGen allele CA27563544.